The following is an entry in ClinVar:

NM_001261826.3(AP3D1):c.275G>T (p.Arg92Leu)

Gene: AP3D1 (adaptor related protein complex 3 subunit delta 1; minus strand). Cytogenetic location: 19p13.3.
Variant type: single nucleotide variant.
Coding change: c.275G>T on transcript NM_001261826.3 (MANE Select); coding-DNA position 275, G replaced by T.
Protein change: p.Arg92Leu; replaces arginine 92 with leucine.
Molecular consequence: missense variant.
Genome position (GRCh38, 1-based): chr19:2,137,090, C>A on the plus strand (G>T on the coding strand, the complement: AP3D1 is on the minus strand). VCF-style: chr19-2137090-C-A. GRCh37 (hg19) VCF-style: chr19-2137089-C-A.
Other names: c.275G>T, p.Arg92Leu (NM_001374799.1, NM_003938.8); short protein forms R92L.
Identifiers: ClinVar variation 1395345 (VCV001395345.6), dbSNP rs908296743, ClinGen allele CA304176004.

ClinVar aggregate classification (germline): Uncertain significance (1 of 4 stars; one submission).

gnomAD v4.1: 1 of 1,582,070 alleles (0.000063%); highest among the groups gnomAD compares: Non-Finnish European, 0.000086%; no homozygotes.

Submission:

Labcorp Genetics (formerly Invitae), Labcorp
Classification: Uncertain significance. Last evaluated: 2021-11-27. Review status: criteria provided, single submitter. Criteria: Invitae Variant Classification Sherloc (09022015). Collection method: clinical testing. Allele origin: germline.
Comment: In summary, the available evidence is currently insufficient to determine the role of this variant in disease. Therefore, it has been classified as a Variant of Uncertain Significance. Algorithms developed to predict the effect of missense changes on protein structure and function (SIFT, PolyPhen-2, Align-GVGD) all suggest that this variant is likely to be disruptive. This variant has not been reported in the literature in individuals affected with AP3D1-related conditions. This variant is not present in population databases (gnomAD no frequency). This sequence change replaces arginine, which is basic and polar, with leucine, which is neutral and non-polar, at codon 92 of the AP3D1 protein (p.Arg92Leu).